The following is an entry in ClinVar:

ClinVar aggregate classification (germline): Pathogenic (1 of 4 stars; one submission).

Conditions:
Osteogenesis imperfecta type I (OI1). Also called: Classic Non-deforming Osteogenesis Imperfecta with Blue Sclerae; OI, TYPE I; OSTEOGENESIS IMPERFECTA TARDA; OSTEOGENESIS IMPERFECTA WITH BLUE SCLERAE; Osteogenesis imperfecta type 1; Lobstein's Disease. Identifiers: Orphanet 216796, Orphanet 666, MedGen C0023931, MONDO:0008146, OMIM 166200. Disease mechanism: loss of function.

Submission:

Labcorp Genetics (formerly Invitae), Labcorp
Classification: Pathogenic for Osteogenesis imperfecta type I. Last evaluated: 2023-09-27. Review status: criteria provided, single submitter. Criteria: Invitae Variant Classification Sherloc (09022015). Collection method: clinical testing. Allele origin: germline.
Comment: For these reasons, this variant has been classified as Pathogenic. This variant has not been reported in the literature in individuals affected with COL1A1-related conditions. This variant is not present in population databases (gnomAD no frequency). This sequence change creates a premature translational stop signal (p.Pro394Alafs*4) in the COL1A1 gene. It is expected to result in an absent or disrupted protein product. Loss-of-function variants in COL1A1 are known to be pathogenic (PMID: 7942841, 9295084, 9443882).

Literature cited by the submitters: PubMed 7942841; PubMed 9295084; PubMed 9443882.

NM_000088.4(COL1A1):c.1179dup (p.Pro394fs)

Gene: COL1A1 (collagen type I alpha 1 chain; minus strand). Cytogenetic location: 17q21.33.
Variant type: Duplication.
Coding change: c.1179dup on transcript NM_000088.4 (MANE Select); coding-DNA position 1179, one base duplicated (G; older notation c.1179dupG).
Protein change: p.Pro394fs; shifts the reading frame from proline 394.
Molecular consequence: frameshift variant.
Genome position (GRCh38, 1-based): chr17:50,195,455, C duplicated on the plus strand (G on the coding strand, the reverse complement: COL1A1 is on the minus strand). VCF-style (leftmost placement, unchanged base first): chr17-50195454-G-GC. GRCh37 (hg19) VCF-style: chr17-48272815-G-GC.
Other names: short protein forms P394fs.
Identifiers: ClinVar variation 2763973 (VCV002763973.3), dbSNP rs2509227653, ClinGen allele CA2697560371.